The following is an entry in ClinVar:

NM_001002295.2(GATA3):c.1061C>T (p.Pro354Leu)

Gene: GATA3 (GATA binding protein 3; plus strand). Cytogenetic location: 10p14.
Variant type: single nucleotide variant.
Coding change: c.1061C>T on transcript NM_001002295.2 (MANE Select); coding-DNA position 1061, C replaced by T.
Protein change: p.Pro354Leu; replaces proline 354 with leucine.
Molecular consequence: missense variant.
Genome position (GRCh38, 1-based): chr10:8,073,749, C>T. VCF-style: chr10-8073749-C-T. GRCh37 (hg19) VCF-style: chr10-8115712-C-T.
Other names: c.1058C>T, p.Pro353Leu (NM_002051.3); short protein forms P353L, P354L.
Identifiers: ClinVar variation 3358770 (VCV003358770.1).
Genomic context (GRCh38, chr10:8,073,749, plus strand): 5'-AGAGGCAGCAAAAAAGTAAAAAAAAAAAAAAAAAATTGATCTTTGTTTAGATTAACAGAC[C>T]CCTGACTATGAAGAAGGAAGGCATCCAGACCAGAAACCGAAAAATGTCTAGCAAATCCAA-3'
Protein context (NP_001002295.1, residues 344-364): LYYKLHNINR[Pro354Leu]LTMKKEGIQT

ClinVar aggregate classification (germline): Uncertain significance (0 of 4 stars; one submission).

Conditions:
GATA3-related disorder. Also called: GATA3-related condition.

Submission:

PreventionGenetics, part of Exact Sciences
Classification: Uncertain significance for GATA3-related condition. Last evaluated: 2024-06-14. Review status: no assertion criteria provided. Collection method: clinical testing. Allele origin: germline.
Comment: The GATA3 c.1061C>T variant is predicted to result in the amino acid substitution p.Pro354Leu. This variant has been reported in the heterozygous state in an individual with hypoparathyroidism, sensorineural deafness and renal disease (HDR syndrome) (Abstract SAT-065, Cruz-Aviles et al. 2020. doi:10.1210/jendso/bvaa046.1845). This variant has not been reported in a large population database, indicating this variant is rare. At this time, the clinical significance of this variant is uncertain due to the absence of conclusive functional and genetic evidence.